The following is an entry in ClinVar:

NM_133433.4(NIPBL):c.4602T>A (p.Ala1534=)

Gene: NIPBL (NIPBL cohesin loading factor; plus strand). Cytogenetic location: 5p13.2.
Variant type: single nucleotide variant.
Coding change: c.4602T>A on transcript NM_133433.4 (MANE Select); coding-DNA position 4602, T replaced by A.
Protein change: p.Ala1534=; no amino-acid change (alanine 1534 retained).
Molecular consequence: synonymous variant.
Genome position (GRCh38, 1-based): chr5:37,014,724, T>A. VCF-style: chr5-37014724-T-A. GRCh37 (hg19) VCF-style: chr5-37014826-T-A.
Other names: c.4602T>A, p.Ala1534= (NM_015384.5).
Identifiers: ClinVar variation 2655425 (VCV002655425.24), dbSNP rs968768950, ClinGen allele CA443904157.

ClinVar aggregate classification (germline): Likely benign (1 of 4 stars; one submission).

gnomAD v4.1: 1 of 1,610,444 alleles (0.000062%); highest among the groups gnomAD compares: Non-Finnish European, 0.000085%; no homozygotes.

Submission:

CeGaT Center for Human Genetics Tuebingen
Classification: Likely benign. Last evaluated: 2022-07-01. Review status: criteria provided, single submitter. Criteria: CeGaT Center For Human Genetics Tuebingen Variant Classification Criteria Version 2. Collection method: clinical testing. Allele origin: germline. Affected: yes. Observed: 1 variant allele.
Comment: NIPBL: PM2:Supporting, BP4, BP7